The following is an entry in ClinVar:

NM_001875.5(CPS1):c.1164+3A>G

Gene: CPS1 (carbamoyl-phosphate synthase 1; plus strand). Cytogenetic location: 2q34.
Variant type: single nucleotide variant.
Coding change: c.1164+3A>G on transcript NM_001875.5 (MANE Select); 3 bases into the intron after coding-DNA position 1164, A replaced by G.
Molecular consequence: intron variant.
Genome position (GRCh38, 1-based): chr2:210,592,959, A>G. VCF-style: chr2-210592959-A-G. GRCh37 (hg19) VCF-style: chr2-211457683-A-G.
Other names: c.1164+3A>G (NM_001369257.1, NM_001122633.3); c.1197+3A>G (NM_001369256.1).
Identifiers: ClinVar variation 2137928 (VCV002137928.2), dbSNP rs369054521, ClinGen allele CA2086272.

ClinVar aggregate classification (germline): Uncertain significance (1 of 4 stars; one submission).

Conditions:
Congenital hyperammonemia, type I. Also called: Carbamoyl-phosphate synthase I deficiency; CPS I DEFICIENCY; Carbamoyl phosphate synthetase 1 deficiency; Hyperammonemia due to carbamoyl phosphate synthetase 1 deficiency; CPS 1 deficiency; Carbamyl phosphate synthetase (CPS) deficiency. Identifiers: Orphanet 147, MedGen C4082171, MONDO:0009376, OMIM 237300.

Allele frequency attached by ClinVar (database versions not stated): gnomAD exomes below 0.00001; ExAC 0.00001; gnomAD 0.00001; TOPMed 0.00002.
gnomAD v4.1: 13 of 1,611,424 alleles (0.00081%); highest among the groups gnomAD compares: East Asian, 0.0022%; no homozygotes.

Submission:

Labcorp Genetics (formerly Invitae), Labcorp
Classification: Uncertain significance for Congenital hyperammonemia, type I. Last evaluated: 2025-01-15. Review status: criteria provided, single submitter. Criteria: Invitae Variant Classification Sherloc (09022015). Collection method: clinical testing. Allele origin: germline.
Comment: This sequence change falls in intron 11 of the CPS1 gene. It does not directly change the encoded amino acid sequence of the CPS1 protein. It affects a nucleotide within the consensus splice site. This variant is not present in population databases (gnomAD no frequency). This variant has not been reported in the literature in individuals affected with CPS1-related conditions. ClinVar contains an entry for this variant (Variation ID: 2137928). Variants that disrupt the consensus splice site are a relatively common cause of aberrant splicing (PMID: 17576681, 9536098). Algorithms developed to predict the effect of sequence changes on RNA splicing suggest that this variant may disrupt the consensus splice site. In summary, the available evidence is currently insufficient to determine the role of this variant in disease. Therefore, it has been classified as a Variant of Uncertain Significance.

Literature cited by the submitters: PubMed 17576681; PubMed 9536098.